The following is an entry in ClinVar:

ClinVar aggregate classification (germline): Uncertain significance. Review status: criteria provided, single submitter (1 of 4 stars). 2 submissions from 2 submitters: Uncertain significance (1). 1 of the submissions does not count toward it. Last evaluated 2021-05-16.

Conditions:
KIDINS220-related disorder. Also called: KIDINS220-related condition.

Allele frequency attached by ClinVar (database versions not stated): gnomAD 0.00001; gnomAD exomes 0.00001 and 0.00003; TOPMed 0.00002; ExAC 0.00003.
gnomAD v4.1: 21 of 1,614,074 alleles (0.0013%); highest among the groups gnomAD compares: East Asian, 0.0067%; no homozygotes.

Submissions (2):

Labcorp Genetics (formerly Invitae), Labcorp
Classification: Uncertain significance. Last evaluated: 2021-05-16. Review status: criteria provided, single submitter. Criteria: Invitae Variant Classification Sherloc (09022015). Collection method: clinical testing. Allele origin: germline.
Comment: In summary, the available evidence is currently insufficient to determine the role of this variant in disease. Therefore, it has been classified as a Variant of Uncertain Significance. Algorithms developed to predict the effect of missense changes on protein structure and function (SIFT, PolyPhen-2, Align-GVGD) all suggest that this variant is likely to be tolerated, but these predictions have not been confirmed by published functional studies and their clinical significance is uncertain. This variant has not been reported in the literature in individuals with KIDINS220-related conditions. This variant is present in population databases (rs760510804, ExAC 0.03%). This sequence change replaces proline with leucine at codon 1750 of the KIDINS220 protein (p.Pro1750Leu). The proline residue is weakly conserved and there is a moderate physicochemical difference between proline and leucine.

PreventionGenetics, part of Exact Sciences
Classification: Uncertain significance for KIDINS220-related condition. Last evaluated: 2023-12-19. Review status: no assertion criteria provided. Collection method: clinical testing. Allele origin: germline. Not counted in ClinVar's aggregate classification.
Comment: The KIDINS220 c.5249C>T variant is predicted to result in the amino acid substitution p.Pro1750Leu. To our knowledge, this variant has not been reported in the literature. This variant is reported in 0.022% of alleles in individuals of East Asian descent in gnomAD. At this time, the clinical significance of this variant is uncertain due to the absence of conclusive functional and genetic evidence.

NM_020738.4(KIDINS220):c.5249C>T (p.Pro1750Leu)

Gene: KIDINS220 (kinase D interacting substrate 220; minus strand). Cytogenetic location: 2p25.1.
Variant type: single nucleotide variant.
Coding change: c.5249C>T on transcript NM_020738.4 (MANE Select); coding-DNA position 5249, C replaced by T.
Protein change: p.Pro1750Leu; replaces proline 1750 with leucine.
Molecular consequence: missense variant. On other transcripts: intron variant (6).
Genome position (GRCh38, 1-based): chr2:8,730,787, G>A on the plus strand (C>T on the coding strand, the complement: KIDINS220 is on the minus strand). VCF-style: chr2-8730787-G-A. GRCh37 (hg19) VCF-style: chr2-8870917-G-A.
Other names: c.5252C>T, p.Pro1751Leu (NM_001348729.2); c.5195C>T, p.Pro1732Leu (NM_001348731.2); c.5192C>T, p.Pro1731Leu (NM_001348732.2); c.5081C>T, p.Pro1694Leu (NM_001348734.2); c.5078C>T, p.Pro1693Leu (NM_001348735.2); c.4952C>T, p.Pro1651Leu (NM_001348736.2); c.3882+2657C>T (NM_001348741.2, NM_001348742.2, NM_001348743.2); c.3996+2657C>T (NM_001348738.2); and 2 more; short protein forms P1694L, P1732L, P1731L, P1751L, P1651L, P1693L, P1750L.
Identifiers: ClinVar variation 1474635 (VCV001474635.10), dbSNP rs760510804, ClinGen allele CA1519227.
Genomic context (GRCh38, chr2:8,730,787, plus strand): 5'-ATGCTTTCTCTTTCTTCTCCAAAGCCTGTGCTCTCAGAAGAGGCTGCTGCATGGAGCTCC[G>A]GAGGATCTTTGGAGAGCCTTGTGTAACTTGAACGTTGGCTTCGCTTATGTGTCATGCTTT-3'
Protein context (NP_065789.1, residues 1740-1760): SSYTRLSKDP[Pro1750Leu]ELHAAASSES